The following is an entry in ClinVar:

NM_001323289.2(CDKL5):c.2693_2694del (p.Arg898fs)

Gene: CDKL5 (cyclin dependent kinase like 5; plus strand). Cytogenetic location: Xp22.13.
Variant type: Deletion.
Coding change: c.2693_2694del on transcript NM_001323289.2 (MANE Select); coding-DNA positions 2693 to 2694, 2 bases deleted (GG; older notation c.2693_2694delGG).
Protein change: p.Arg898fs; shifts the reading frame from arginine 898.
Molecular consequence: frameshift variant.
Genome position (GRCh38, 1-based): chrX:18,628,567-18,628,568, GG deleted. VCF-style (leftmost placement, unchanged base first): chrX-18628566-AGG-A. GRCh37 (hg19) VCF-style: chrX-18646686-AGG-A.
Other names: c.2693_2694del, p.Arg898fs (NM_001037343.2, NM_003159.3); short protein forms R898fs.
Identifiers: ClinVar variation 1453219 (VCV001453219.6), dbSNP rs2147179071, ClinGen allele CA2573158463.
Genomic context (GRCh38, chrX:18,628,566, plus strand): 5'-CCCCTGAGCCAGGCCTCTGGCGGGAGCAGCAACATCCGGCAGGAACCCGCACCGAAGGGC[AGG>A]CCAGCCCTCCAGCTGCCAGGTCAGATGGATCCTGGTTGGCATGTGTCCTCTGTGACCAGG-3'

ClinVar aggregate classification (germline): Pathogenic (1 of 4 stars; one submission).

Conditions:
Angelman syndrome-like. Identifiers: MedGen CN128785.
Developmental and epileptic encephalopathy, 2 (DEE2). Also called: INFANTILE SPASM SYNDROME, X-LINKED 2; CDKL5 deficiency disorder. Identifiers: Orphanet 1934, Orphanet 3451, Orphanet 505652, MedGen C4750718, MONDO:0010396, OMIM 300672.

Submission:

Labcorp Genetics (formerly Invitae), Labcorp
Classification: Pathogenic for Developmental and epileptic encephalopathy, 2; Angelman syndrome-like. Last evaluated: 2022-12-02. Review status: criteria provided, single submitter. Criteria: Invitae Variant Classification Sherloc (09022015). Collection method: clinical testing. Allele origin: germline.
Comment: For these reasons, this variant has been classified as Pathogenic. ClinVar contains an entry for this variant (Variation ID: 1453219). This variant has not been reported in the literature in individuals affected with CDKL5-related conditions. This variant is not present in population databases (gnomAD no frequency). This sequence change creates a premature translational stop signal (p.Arg898Thrfs*11) in the CDKL5 gene. It is expected to result in an absent or disrupted protein product. Loss-of-function variants in CDKL5 are known to be pathogenic (PMID: 22872100).

Literature cited by the submitters: PubMed 22872100.